The following is an entry in ClinVar:

NC_000005.9:g.(112073623_112090569)_(112090723_112102022)del

Gene: APC (APC regulator of Wnt signaling pathway; plus strand). Cytogenetic location: 5q22.2.
Variant type: Deletion.
Identifiers: ClinVar variation 4537062 (VCV004537062.1).

ClinVar aggregate classification (germline): Pathogenic (1 of 4 stars; one submission).

Conditions:
Familial multiple polyposis syndrome (FAP). Also called: Familial Adenomatous Polyposis (FAP); Classic familial adenomatous polyposis; Familial polyposis; Familial adenomatous polyposis; Familial intestinal polyposis. Identifiers: Orphanet 733, MedGen C0032580, MONDO:0021055. Disease mechanism: loss of function.

Submission:

Women's Health and Genetics/Laboratory Corporation of America, LabCorp
Classification: Pathogenic for Familial multiple polyposis syndrome. Last evaluated: 2025-11-05. Review status: criteria provided, single submitter. Criteria: LabCorp Variant Classification Summary - May 2015. Collection method: clinical testing. Allele origin: germline.
Comment: Variant summary: The variant involves the deletion of exon 2 in the APC gene. A presumed nomenclature of c.(-19+1_-18-1)_(135+1_136-1)del has been designated for the purposes of this classification. The exact breakpoint at the 5' end of this variant is unknown, therefore this deletion may extend upstream of the annotated region of this gene. Although the exact breakpoints of this deletion are not known, it is predicted to remove the initiation codon and result in an absence of protein or a truncation of the encoded protein due to translation initiation at a downstream site. Loss-of-function variants in this gene are known to be pathogenic. The variant was absent in 21694 control chromosomes. To our knowledge, no occurrence of c.(-19+1_-18-1)_(135+1_136-1)del in individuals affected with APC-related conditions and no experimental evidence demonstrating its impact on protein function have been reported. ClinVar contains an entry for this variant (Variation ID: 3246374). Based on the evidence outlined above, the variant was classified as pathogenic.